The following is an entry in ClinVar:

ClinVar aggregate classification (germline): Uncertain significance. Review status: criteria provided, multiple submitters, no conflicts (2 of 4 stars). 10 submissions from 9 submitters: Uncertain significance (10). Last evaluated 2025-10-31.

Conditions:
P3H1-related disorder. Also called: P3H1-related condition.
Osteogenesis Imperfecta, Recessive.
Osteogenesis imperfecta type 8 (OI8). Identifiers: MedGen C1970458, MONDO:0012581, OMIM 610915.

Allele frequency attached by ClinVar (database versions not stated): 1000 Genomes Project 30x 0.00016; 1000 Genomes Project 0.00020; TOPMed 0.00058; gnomAD 0.00066; gnomAD exomes 0.00067 and 0.00087; ESP Exome Variant Server 0.00092; ExAC 0.00093.
gnomAD v4.1: 1,356 of 1,613,922 alleles (0.084%); highest among the groups gnomAD compares: Non-Finnish European, 0.1%; 1 homozygote.

Submissions (10):

Women's Health and Genetics/Laboratory Corporation of America, LabCorp
Classification: Uncertain significance. Last evaluated: 2025-10-31. Review status: criteria provided, single submitter. Criteria: LabCorp Variant Classification Summary - May 2015. Collection method: clinical testing. Allele origin: germline.
Comment: Variant summary: P3H1 c.1806A>C (p.Lys602Asn) results in a non-conservative amino acid change in the encoded protein sequence. Algorithms developed to predict the effect of missense changes on protein structure and function are either unavailable or do not agree on the potential impact of this missense change. The variant allele was found at a frequency of 0.00067 in 251092 control chromosomes. This frequency is not significantly higher than estimated for disease-causing variants in P3H1, allowing no conclusion about variant significance. To our knowledge, no occurrence of c.1806A>C in individuals affected with P3H1-related conditions and no experimental evidence demonstrating its impact on protein function have been reported. ClinVar contains an entry for this variant (Variation ID: 429864). Based on the evidence outlined above, the variant was classified as uncertain significance.

GeneDx
Classification: Uncertain significance. Last evaluated: 2025-09-04. Review status: criteria provided, single submitter. Criteria: GeneDx Variant Classification Process June 2021. Collection method: clinical testing. Allele origin: germline. Affected: yes.
Comment: In silico analysis supports that this missense variant has a deleterious effect on protein structure/function; Has not been previously published as pathogenic or benign to our knowledge

Blueprint Genetics
Classification: Uncertain significance. Last evaluated: 2024-11-07. Review status: criteria provided, single submitter. Criteria: ACMG Guidelines, 2015. Collection method: clinical testing. Allele origin: germline.

PreventionGenetics, part of Exact Sciences
Classification: Uncertain significance for P3H1-related condition. Last evaluated: 2023-06-07. Review status: criteria provided, single submitter. Criteria: ACMG Guidelines, 2015. Collection method: clinical testing. Allele origin: germline.
Comment: The P3H1 c.1806A>C variant is predicted to result in the amino acid substitution p.Lys602Asn. To our knowledge, this variant has not been reported in the literature. This variant is reported in 0.12% of alleles in individuals of European (Non-Finnish) descent in gnomAD. Although we suspect that this variant may be benign, at this time, the clinical significance of this variant is uncertain due to the absence of conclusive functional and genetic evidence.

Genome-Nilou Lab
Classification: Uncertain significance for Osteogenesis imperfecta type 8. Last evaluated: 2023-04-11. Review status: criteria provided, single submitter. Criteria: ACMG Guidelines, 2015. Collection method: clinical testing. Allele origin: germline. Affected: no.

Labcorp Genetics (formerly Invitae), Labcorp
Classification: Uncertain significance for Osteogenesis imperfecta type 8. Last evaluated: 2022-11-02. Review status: criteria provided, single submitter. Criteria: Invitae Variant Classification Sherloc (09022015). Collection method: clinical testing. Allele origin: germline.
Comment: This sequence change replaces lysine, which is basic and polar, with asparagine, which is neutral and polar, at codon 602 of the P3H1 protein (p.Lys602Asn). This variant is present in population databases (rs144336336, gnomAD 0.1%), and has an allele count higher than expected for a pathogenic variant. This variant has not been reported in the literature in individuals affected with P3H1-related conditions. ClinVar contains an entry for this variant (Variation ID: 429864). Advanced modeling of protein sequence and biophysical properties (such as structural, functional, and spatial information, amino acid conservation, physicochemical variation, residue mobility, and thermodynamic stability) performed at Invitae indicates that this missense variant is expected to disrupt P3H1 protein function. In summary, the available evidence is currently insufficient to determine the role of this variant in disease. Therefore, it has been classified as a Variant of Uncertain Significance.

ARUP Laboratories, Molecular Genetics and Genomics, ARUP Laboratories
Classification: Uncertain significance for Osteogenesis imperfecta type 8. Last evaluated: 2020-02-14. Review status: criteria provided, single submitter. Criteria: ARUP Molecular Germline Variant Investigation Process. Collection method: clinical testing. Allele origin: germline.
Comment: The P3H1 c.1806A>C; p.Lys602Asn variant (rs144336336), to our knowledge, is not reported in the medical literature but is reported in ClinVar (Variation ID: 429864). This variant is found in the non-Finnish European population with an allele frequency of 0.12% (158/128990 alleles) in the Genome Aggregation Database. The lysine at codon 602 is highly conserved, and computational analyses (SIFT, PolyPhen-2) predict that this variant is deleterious. Due to limited information, the clinical significance of the p.Lys602Asn variant is uncertain at this time.

Fulgent Genetics
Classification: Uncertain significance for Osteogenesis imperfecta type 8. Last evaluated: 2018-10-31. Review status: criteria provided, single submitter. Criteria: ACMG Guidelines, 2015. Collection method: clinical testing. Allele origin: unknown.

Illumina Laboratory Services, Illumina
Classification: Uncertain significance for Osteogenesis imperfecta type 8. Last evaluated: 2018-01-13. Review status: criteria provided, single submitter. Criteria: ICSL Variant Classification Criteria 13 December 2019. Collection method: clinical testing. Allele origin: germline.

Illumina Laboratory Services, Illumina
Classification: Uncertain significance for Osteogenesis Imperfecta, Recessive. Last evaluated: 2017-04-27. Review status: criteria provided, single submitter. Criteria: ICSL Variant Classification Criteria 13 December 2019. Collection method: clinical testing. Allele origin: germline.

NM_022356.4(P3H1):c.1806A>C (p.Lys602Asn)

Gene: P3H1 (prolyl 3-hydroxylase 1; minus strand). Cytogenetic location: 1p34.2.
Variant type: single nucleotide variant.
Coding change: c.1806A>C on transcript NM_022356.4 (MANE Select); coding-DNA position 1806, A replaced by C.
Protein change: p.Lys602Asn; replaces lysine 602 with asparagine.
Molecular consequence: missense variant.
Genome position (GRCh38, 1-based): chr1:42,748,232, T>G on the plus strand (A>C on the coding strand, the complement: P3H1 is on the minus strand). VCF-style: chr1-42748232-T-G. GRCh37 (hg19) VCF-style: chr1-43213903-T-G.
Other names: c.1806A>C, p.Lys602Asn (NM_001146289.2, NM_001243246.2); short protein forms K602N.
Identifiers: ClinVar variation 429864 (VCV000429864.26), dbSNP rs144336336, ClinGen allele CA801696.